The following is an entry in ClinVar:

NM_173477.5(USH1G):c.1331G>T (p.Arg444Met)

Gene: USH1G (USH1 protein network component sans; minus strand). Cytogenetic location: 17q25.1.
Variant type: single nucleotide variant.
Coding change: c.1331G>T on transcript NM_173477.5 (MANE Select); coding-DNA position 1331, G replaced by T.
Protein change: p.Arg444Met; replaces arginine 444 with methionine.
Molecular consequence: missense variant.
Genome position (GRCh38, 1-based): chr17:74,919,505, C>A on the plus strand (G>T on the coding strand, the complement: USH1G is on the minus strand). VCF-style: chr17-74919505-C-A. GRCh37 (hg19) VCF-style: chr17-72915600-C-A.
Other names: c.1022G>T, p.Arg341Met (NM_001282489.3); short protein forms R341M, R444M.
Identifiers: ClinVar variation 1376208 (VCV001376208.5), dbSNP rs924339909, ClinGen allele CA293983398.

ClinVar aggregate classification (germline): Uncertain significance (1 of 4 stars; one submission).

Allele frequency attached by ClinVar (database versions not stated): gnomAD exomes below 0.00001 and 0.00001.

Submission:

Labcorp Genetics (formerly Invitae), Labcorp
Classification: Uncertain significance. Last evaluated: 2021-08-19. Review status: criteria provided, single submitter. Criteria: Invitae Variant Classification Sherloc (09022015). Collection method: clinical testing. Allele origin: germline.
Comment: This variant has not been reported in the literature in individuals affected with USH1G-related conditions. In summary, the available evidence is currently insufficient to determine the role of this variant in disease. Therefore, it has been classified as a Variant of Uncertain Significance. Algorithms developed to predict the effect of missense changes on protein structure and function are either unavailable or do not agree on the potential impact of this missense change (SIFT: "Not Available"; PolyPhen-2: "Benign"; Align-GVGD: "Not Available"). This variant is not present in population databases (ExAC no frequency). This sequence change replaces arginine with methionine at codon 444 of the USH1G protein (p.Arg444Met). The arginine residue is moderately conserved and there is a moderate physicochemical difference between arginine and methionine.